The following is an entry in ClinVar:

NC_000007.13:g.(66094196_66098261)_(66108035_?)dup

Gene: KCTD7 (potassium channel tetramerization domain containing 7; plus strand). Cytogenetic location: 7q11.21.
Variant type: Duplication.
Identifiers: ClinVar variation 3385176 (VCV003385176.1).

ClinVar aggregate classification (germline): Benign (1 of 4 stars; one submission).

Submission:

Women's Health and Genetics/Laboratory Corporation of America, LabCorp
Classification: Benign. Last evaluated: 2024-10-21. Review status: criteria provided, single submitter. Criteria: LabCorp Variant Classification Summary - May 2015. Collection method: clinical testing. Allele origin: germline.
Comment: Variant summary: The variant involves the duplication of exons 2-4 in the KCTD7 gene. A presumed nomenclature of c.(144+1_145-1)_(*3816_?)dup has been designated for the purposes of this classification. The exact breakpoint at the 3' end of this variant is unknown, therefore this duplication may extend downstream of the annotated region of the gene. As it duplicates the termination codon, its effect on the encoded protein is unknown. A variant involving the duplication of exons 2-4 together with a large DNA segment downstream of the gene was found at a frequency of 0.0087 in 21682 control chromosomes in the gnomAD database, including 30 homozygotes. The observed variant frequency is approximately 25- fold of the estimated maximal expected allele frequency for a pathogenic variant in KCTD7 causing Neuronal Ceroid-Lipofuscinosis (Batten Disease) phenotype (0.00035). To our knowledge, no occurrence of c.(144+1_145-1)_(*3816_?)dup in individuals affected with Neuronal Ceroid-Lipofuscinosis (Batten Disease) and no experimental evidence demonstrating its impact on protein function have been reported. No submitters have cited clinical-significance assessments for this variant to ClinVar. Based on the evidence outlined above, the variant was classified as benign.